The following is an entry in ClinVar:

ClinVar aggregate classification (germline): Uncertain significance (1 of 4 stars; one submission).

Conditions:
Cardiovascular phenotype. Identifiers: MedGen CN230736.
Hereditary cancer-predisposing syndrome. Also called: Neoplastic Syndromes, Hereditary; Tumor predisposition; Hereditary Cancer Syndrome; Hereditary neoplastic syndrome. Identifiers: Orphanet 140162, MedGen C0027672, MeSH D009386, MONDO:0015356.

Submission:

Ambry Genetics
Classification: Uncertain significance for Cardiovascular phenotype; Hereditary cancer-predisposing syndrome. Last evaluated: 2017-03-30. Review status: criteria provided, single submitter. Criteria: Ambry Variant Classification Scheme 2023. Collection method: clinical testing. Allele origin: germline.
Comment: The p.M760L variant (also known as c.2278A>T), located in coding exon 19 of the NF1 gene, results from an A to T substitution at nucleotide position 2278. The methionine at codon 760 is replaced by leucine, an amino acid with highly similar properties. This amino acid position is highly conserved in available vertebrate species. In addition, the in silico prediction for this alteration is inconclusive. Since supporting evidence is limited at this time, the clinical significance of this alteration remains unclear.

NM_001042492.3(NF1):c.2278A>T (p.Met760Leu)

Gene: NF1 (neurofibromin 1; plus strand). Cytogenetic location: 17q11.2.
Variant type: single nucleotide variant.
Coding change: c.2278A>T on transcript NM_001042492.3 (MANE Select); coding-DNA position 2278, A replaced by T.
Protein change: p.Met760Leu; replaces methionine 760 with leucine.
Molecular consequence: missense variant.
Genome position (GRCh38, 1-based): chr17:31,227,244, A>T. VCF-style: chr17-31227244-A-T. GRCh37 (hg19) VCF-style: chr17-29554262-A-T.
Other names: c.2278A>T, p.Met760Leu (NM_000267.4); short protein forms M760L.
Identifiers: ClinVar variation 484110 (VCV000484110.5), dbSNP rs1191883088, ClinGen allele CA398982764.